The following is an entry in ClinVar:

NM_004006.3(DMD):c.6317G>A (p.Trp2106Ter)

Gene: DMD (dystrophin; minus strand). Cytogenetic location: Xp21.1.
Variant type: single nucleotide variant.
Coding change: c.6317G>A on transcript NM_004006.3 (MANE Select); coding-DNA position 6317, G replaced by A.
Protein change: p.Trp2106Ter; replaces tryptophan 2106 with a stop codon.
Molecular consequence: nonsense.
Genome position (GRCh38, 1-based): chrX:32,217,037, C>T on the plus strand (G>A on the coding strand, the complement: DMD is on the minus strand). VCF-style: chrX-32217037-C-T. GRCh37 (hg19) VCF-style: chrX-32235154-C-T.
Other names: c.6293G>A, p.Trp2098Ter (NM_000109.4); c.6305G>A, p.Trp2102Ter (NM_004009.3); c.5948G>A, p.Trp1983Ter (NM_004010.3); c.2294G>A, p.Trp765Ter (NM_004011.4); c.2285G>A, p.Trp762Ter (NM_004012.4); short protein forms W2106*, W1983*, W762*, W765*, W2098*, W2102*.
Identifiers: ClinVar variation 451763 (VCV000451763.2), dbSNP rs1557218269, ClinGen allele CA412660744.

ClinVar aggregate classification (germline): Pathogenic (1 of 4 stars; one submission).

Submission:

GeneDx
Classification: Pathogenic. Last evaluated: 2017-09-13. Review status: criteria provided, single submitter. Criteria: GeneDx Variant Classification (06012015). Collection method: clinical testing. Allele origin: germline. Affected: yes.
Comment: The W2106X variant in the DMD gene has not been reported previously as a pathogenic variant nor as a benign variant, to our knowledge. This variant is predicted to cause loss of normal protein function either through protein truncation or nonsense-mediated mRNA decay. The W2106X variant is not observed in large population cohorts (Lek et al., 2016; 1000 Genomes Consortium et al., 2015; Exome Variant Server). We interpret W2106X as a pathogenic variant.